The following is an entry in ClinVar:

NM_001356.5(DDX3X):c.1443del (p.Glu482fs)

Gene: DDX3X (DEAD-box helicase 3 X-linked; plus strand). Cytogenetic location: Xp11.4.
Variant type: Deletion.
Coding change: c.1443del on transcript NM_001356.5 (MANE Select); coding-DNA position 1443, one base deleted (A; older notation c.1443delA).
Protein change: p.Glu482fs; shifts the reading frame from glutamic acid 482.
Molecular consequence: frameshift variant. On other transcripts: non-coding transcript variant (1).
Genome position (GRCh38, 1-based): chrX:41,346,356, A deleted; the last of 2 consecutive A bases (chrX:41,346,355-41,346,356); deleting either gives the same sequence. VCF-style (leftmost placement, unchanged base first): chrX-41346354-GA-G. GRCh37 (hg19) VCF-style: chrX-41205607-GA-G.
Other names: c.1443del, p.Glu482fs (NM_001193416.3); c.1395del, p.Glu466fs (NM_001193417.3); c.885del, p.Glu296fs (NM_001363819.1); short protein forms E296fs, E466fs, E482fs.
Identifiers: ClinVar variation 4819114 (VCV004819114.2).
Genomic context (GRCh38, chrX:41,346,354, plus strand): 5'-TTATACCATGAAGGATACGCATGTACCAGCATCCATGGAGACCGTTCTCAGAGGGATAGA[GA>G]AGAGGCCCTTCACCAGTTCCGCTCAGGAAAAAGCCCAATTTTAGTGGCTACAGCAGTATG-3'

ClinVar aggregate classification (germline): Pathogenic (1 of 4 stars; one submission).

Conditions:
Intellectual disability, X-linked 102 (MRXSSB). Also called: Intellectual developmental disorder, X-linked syndromic, Snijders Blok type. Identifiers: Orphanet 457260, MedGen C5393299, MONDO:0010497, OMIM 300958.

Submission:

Institute of Human Genetics, University of Leipzig Medical Center
Classification: Pathogenic for Intellectual disability, X-linked 102. Last evaluated: 2026-01-08. Review status: criteria provided, single submitter. Criteria: ACMG Guidelines, 2015. Collection method: clinical testing. Allele origin: unknown. Inheritance: Autosomal dominant inheritance. Affected: yes.
Comment: Criteria applied: PVS1,PM2